The following is an entry in ClinVar:

ClinVar aggregate classification (germline): Uncertain significance. Review status: criteria provided, multiple submitters, no conflicts (2 of 4 stars). 4 submissions from 4 submitters: Uncertain significance (4). Last evaluated 2026-01-07.

Conditions:
Familial adenomatous polyposis 4 (FAP4). Also called: MSH3-related attenuated familial adenomatous polyposis. Identifiers: Orphanet 480536, MedGen C4310719, MONDO:0044300, OMIM 617100.
Hereditary cancer-predisposing syndrome. Also called: Neoplastic Syndromes, Hereditary; Tumor predisposition; Hereditary neoplastic syndrome; Hereditary Cancer Syndrome. Identifiers: Orphanet 140162, MedGen C0027672, MeSH D009386, MONDO:0015356.
Endometrial carcinoma. Also called: Endometrial carcinoma, somatic. Identifiers: MedGen C0476089, MONDO:0002447, OMIM 608089, HP:0012114.

Allele frequency attached by ClinVar (database versions not stated): gnomAD exomes below 0.00001 and 0.00001; TOPMed below 0.00001; gnomAD 0.00001; ESP Exome Variant Server 0.00015.
gnomAD v4.1: 14 of 1,613,930 alleles (0.00087%); highest among the groups gnomAD compares: African/African-American, 0.0013%; no homozygotes.

Submissions (4):

Labcorp Genetics (formerly Invitae), Labcorp
Classification: Uncertain significance. Last evaluated: 2026-01-07. Review status: criteria provided, single submitter. Criteria: Invitae Variant Classification Sherloc (09022015). Collection method: clinical testing. Allele origin: germline.
Comment: This sequence change replaces threonine, which is neutral and polar, with serine, which is neutral and polar, at codon 913 of the MSH3 protein (p.Thr913Ser). This variant is present in population databases (rs145977077, gnomAD 0.002%). This variant has not been reported in the literature in individuals affected with MSH3-related conditions. ClinVar contains an entry for this variant (Variation ID: 644663). An algorithm developed to predict the effect of missense changes on protein structure and function (PolyPhen-2) suggests that this variant is likely to be tolerated. In summary, the available evidence is currently insufficient to determine the role of this variant in disease. Therefore, it has been classified as a Variant of Uncertain Significance.

Center for Genomic Medicine, Rigshospitalet, Copenhagen University Hospital
Classification: Uncertain significance. Last evaluated: 2025-12-29. Review status: criteria provided, single submitter. Criteria: ACMG Guidelines, 2015. Collection method: clinical testing. Allele origin: germline.

Ambry Genetics
Classification: Uncertain significance for Hereditary cancer-predisposing syndrome. Last evaluated: 2025-06-09. Review status: criteria provided, single submitter. Criteria: Ambry Variant Classification Scheme 2023. Collection method: clinical testing. Allele origin: germline.
Comment: The p.T913S variant (also known as c.2738C>G), located in coding exon 20 of the MSH3 gene, results from a C to G substitution at nucleotide position 2738. The threonine at codon 913 is replaced by serine, an amino acid with similar properties. This amino acid position is poorly conserved in available vertebrate species. In addition, this alteration is predicted to be tolerated by in silico analysis. Since supporting evidence is limited at this time, the clinical significance of this alteration remains unclear.

Baylor Genetics
Classification: Uncertain significance for Endometrial carcinoma. Last evaluated: 2024-03-19. Review status: criteria provided, single submitter. Criteria: ACMG Guidelines, 2015. Collection method: clinical testing. Allele origin: unknown.

NM_002439.5(MSH3):c.2738C>G (p.Thr913Ser)

Gene: MSH3 (mutS homolog 3; plus strand). Cytogenetic location: 5q14.1.
Variant type: single nucleotide variant.
Coding change: c.2738C>G on transcript NM_002439.5 (MANE Select); coding-DNA position 2738, C replaced by G.
Protein change: p.Thr913Ser; replaces threonine 913 with serine.
Molecular consequence: missense variant.
Genome position (GRCh38, 1-based): chr5:80,813,666, C>G. VCF-style: chr5-80813666-C-G. GRCh37 (hg19) VCF-style: chr5-80109485-C-G.
Other names: short protein forms T913S.
Identifiers: ClinVar variation 644663 (VCV000644663.16), dbSNP rs145977077, ClinGen allele CA121307445.